The following is an entry in ClinVar:

NM_001127222.2(CACNA1A):c.4270G>A (p.Glu1424Lys)

Gene: CACNA1A (calcium voltage-gated channel subunit alpha1 A; minus strand). Cytogenetic location: 19p13.13.
Variant type: single nucleotide variant.
Coding change: c.4270G>A on transcript NM_001127222.2 (MANE Select); coding-DNA position 4270, G replaced by A.
Protein change: p.Glu1424Lys; replaces glutamic acid 1424 with lysine.
Molecular consequence: missense variant.
Genome position (GRCh38, 1-based): chr19:13,259,682, C>T on the plus strand (G>A on the coding strand, the complement: CACNA1A is on the minus strand). VCF-style: chr19-13259682-C-T. GRCh37 (hg19) VCF-style: chr19-13370496-C-T.
Other names: c.4282G>A, p.Glu1428Lys (NM_000068.4, NM_023035.3); c.4273G>A, p.Glu1425Lys (NM_001127221.2, NM_001174080.2); short protein forms E1424K, E1425K, E1428K.
Identifiers: ClinVar variation 3343314 (VCV003343314.1).
Genomic context (GRCh38, chr19:13,259,682, plus strand): 5'-TGTCGTAATGGAATTCATACTTCTTCCACTCCCGGTCTCGCGCCTTCACCTCATTCTTCT[C>T]GTAGAGGAGGTATTTGCCTCTGCCACAGAGAGTGGGGACTGTTAGTAAATGGGAAAGAGG-3'
Protein context (NP_001120694.1, residues 1414-1434): KDCRGKYLLY[Glu1424Lys]KNEVKARDRE

ClinVar aggregate classification (germline): Uncertain significance (1 of 4 stars; one submission).

Submission:

GeneDx
Classification: Uncertain significance. Last evaluated: 2023-05-03. Review status: criteria provided, single submitter. Criteria: GeneDx Variant Classification Process June 2021. Collection method: clinical testing. Allele origin: germline. Affected: yes.
Comment: Not observed at significant frequency in large population cohorts (gnomAD); In silico analysis supports that this missense variant has a deleterious effect on protein structure/function; Has not been previously published as pathogenic or benign to our knowledge